The following is an entry in ClinVar:

ClinVar aggregate classification (germline): Uncertain significance (1 of 4 stars; one submission).

Submission:

GeneDx
Classification: Uncertain significance. Last evaluated: 2025-06-28. Review status: criteria provided, single submitter. Criteria: GeneDx Variant Classification Process June 2021. Collection method: clinical testing. Allele origin: germline. Affected: yes.
Comment: Not observed at significant frequency in large population cohorts (gnomAD); In silico analysis suggests that this missense variant does not alter protein structure/function; Has not been previously published as pathogenic or benign to our knowledge

NM_020928.2(ZSWIM6):c.485C>T (p.Thr162Ile)

Gene: ZSWIM6 (zinc finger SWIM-type containing 6; plus strand). Cytogenetic location: 5q12.1.
Variant type: single nucleotide variant.
Coding change: c.485C>T on transcript NM_020928.2 (MANE Select); coding-DNA position 485, C replaced by T.
Protein change: p.Thr162Ile; replaces threonine 162 with isoleucine.
Molecular consequence: missense variant.
Genome position (GRCh38, 1-based): chr5:61,332,757, C>T. VCF-style: chr5-61332757-C-T. GRCh37 (hg19) VCF-style: chr5-60628584-C-T.
Other names: short protein forms T162I.
Identifiers: ClinVar variation 4540186 (VCV004540186.1).